The following is an entry in ClinVar:

NM_004036.5(ADCY3):c.2524A>G (p.Met842Val)

Gene: ADCY3 (adenylate cyclase 3; minus strand). Cytogenetic location: 2p23.3.
Variant type: single nucleotide variant.
Coding change: c.2524A>G on transcript NM_004036.5 (MANE Select); coding-DNA position 2524, A replaced by G.
Protein change: p.Met842Val; replaces methionine 842 with valine.
Molecular consequence: missense variant. On other transcripts: intron variant (1).
Genome position (GRCh38, 1-based): chr2:24,826,098, T>C on the plus strand (A>G on the coding strand, the complement: ADCY3 is on the minus strand). VCF-style: chr2-24826098-T-C. GRCh37 (hg19) VCF-style: chr2-25048967-T-C.
Other names: c.2527A>G, p.Met843Val (NM_001320613.2); c.2590A>G, p.Met864Val (NM_001377128.1); c.2386A>G, p.Met796Val (NM_001377129.1); c.1801A>G, p.Met601Val (NM_001377131.1); c.2524A>G, p.Met842Val (NM_001377132.1); c.2173-1562A>G (NM_001377130.1); short protein forms M796V, M864V, M601V, M843V, M842V.
Identifiers: ClinVar variation 4991843 (VCV004991843.1).

ClinVar aggregate classification (germline): Uncertain significance (1 of 4 stars; one submission).

Conditions:
ADCY3-related disorder. Also called: ADCY3-related condition.

gnomAD v4.1: 3 of 1,613,980 alleles (0.00019%); highest among the groups gnomAD compares: Non-Finnish European, 0.00025%; no homozygotes.

Submission:

PreventionGenetics, part of Exact Sciences
Classification: Uncertain significance for ADCY3-related condition. Last evaluated: 2026-02-04. Review status: criteria provided, single submitter. Criteria: ACMG Guidelines, 2015. Collection method: clinical testing. Allele origin: germline.
Comment: The ADCY3 c.2527A>G variant is predicted to result in the amino acid substitution p.Met843Val. To our knowledge, this variant has not been reported in the literature. This variant is reported in 0.0054% of alleles in individuals of East Asian descent in gnomAD. At this time, the clinical significance of this variant is uncertain due to the absence of conclusive functional and genetic evidence.